The following is an entry in ClinVar:

ClinVar aggregate classification (germline): Uncertain significance (1 of 4 stars; one submission).

Submission:

Labcorp Genetics (formerly Invitae), Labcorp
Classification: Uncertain significance. Last evaluated: 2022-09-01. Review status: criteria provided, single submitter. Criteria: Invitae Variant Classification Sherloc (09022015). Collection method: clinical testing. Allele origin: germline.
Comment: In summary, the available evidence is currently insufficient to determine the role of this variant in disease. Therefore, it has been classified as a Variant of Uncertain Significance. Algorithms developed to predict the effect of missense changes on protein structure and function are either unavailable or do not agree on the potential impact of this missense change (SIFT: "Tolerated"; PolyPhen-2: "Possibly Damaging"; Align-GVGD: "Class C0"). This variant has not been reported in the literature in individuals affected with CHD8-related conditions. This variant is not present in population databases (gnomAD no frequency). This sequence change replaces glutamic acid, which is acidic and polar, with valine, which is neutral and non-polar, at codon 1771 of the CHD8 protein (p.Glu1771Val).

NM_001170629.2(CHD8):c.5312A>T (p.Glu1771Val)

Gene: CHD8 (chromodomain helicase DNA binding protein 8; minus strand). Cytogenetic location: 14q11.2.
Variant type: single nucleotide variant.
Coding change: c.5312A>T on transcript NM_001170629.2 (MANE Select); coding-DNA position 5312, A replaced by T.
Protein change: p.Glu1771Val; replaces glutamic acid 1771 with valine.
Molecular consequence: missense variant.
Genome position (GRCh38, 1-based): chr14:21,394,990, T>A on the plus strand (A>T on the coding strand, the complement: CHD8 is on the minus strand). VCF-style: chr14-21394990-T-A. GRCh37 (hg19) VCF-style: chr14-21863149-T-A.
Other names: c.4475A>T, p.Glu1492Val (NM_020920.4); short protein forms E1492V, E1771V.
Identifiers: ClinVar variation 1958787 (VCV001958787.5), dbSNP rs2501863094, ClinGen allele CA388884037.